The following is an entry in ClinVar:

NM_004329.3(BMPR1A):c.725A>T (p.Lys242Ile)

Gene: BMPR1A (bone morphogenetic protein receptor type 1A; plus strand). Cytogenetic location: 10q23.2.
Variant type: single nucleotide variant.
Coding change: c.725A>T on transcript NM_004329.3 (MANE Select); coding-DNA position 725, A replaced by T.
Protein change: p.Lys242Ile; replaces lysine 242 with isoleucine.
Molecular consequence: missense variant. On other transcripts: non-coding transcript variant (3).
Genome position (GRCh38, 1-based): chr10:86,917,183, A>T. VCF-style: chr10-86917183-A-T. GRCh37 (hg19) VCF-style: chr10-88676940-A-T.
Other names: c.800A>T, p.Lys267Ile (NM_001406559.1); c.773A>T, p.Lys258Ile (NM_001406560.1); c.725A>T, p.Lys242Ile (NM_001406561.1, NM_001406562.1, NM_001406563.1 and 19 more transcripts); c.641A>T, p.Lys214Ile (NM_001406587.1, NM_001406588.1, NM_001406584.1 and 2 more transcripts); c.383A>T, p.Lys128Ile (NM_001406589.1); c.719A>T, p.Lys240Ile (NM_001406583.1); short protein forms K128I, K240I, K242I, K258I, K267I, K214I.
Identifiers: ClinVar variation 4214368 (VCV004214368.1).

ClinVar aggregate classification (germline): Uncertain significance (1 of 4 stars; one submission).

Conditions:
Hereditary cancer-predisposing syndrome. Also called: Neoplastic Syndromes, Hereditary; Tumor predisposition; Hereditary Cancer Syndrome; Hereditary neoplastic syndrome. Identifiers: Orphanet 140162, MedGen C0027672, MeSH D009386, MONDO:0015356.

Submission:

Ambry Genetics
Classification: Uncertain significance for Hereditary cancer-predisposing syndrome. Last evaluated: 2025-08-20. Review status: criteria provided, single submitter. Criteria: Ambry Variant Classification Scheme 2023. Collection method: clinical testing. Allele origin: germline.
Comment: The p.K242I variant (also known as c.725A>T), located in coding exon 7 of the BMPR1A gene, results from an A to T substitution at nucleotide position 725. The lysine at codon 242 is replaced by isoleucine, an amino acid with dissimilar properties. This amino acid position is conserved. In addition, the in silico prediction for this alteration is inconclusive. Based on the available evidence, the clinical significance of this variant remains unclear.